The following is an entry in ClinVar:

ClinVar aggregate classification (germline): Uncertain significance (1 of 4 stars; one submission).

Allele frequency attached by ClinVar (database versions not stated): gnomAD 0.00001; 1000 Genomes Project 30x 0.00016; 1000 Genomes Project 0.00020.
gnomAD v4.1: 1 of 1,583,744 alleles (0.000063%); highest among the groups gnomAD compares: East Asian, 0.0022%; no homozygotes.

Submission:

Labcorp Genetics (formerly Invitae), Labcorp
Classification: Uncertain significance. Last evaluated: 2022-09-13. Review status: criteria provided, single submitter. Criteria: Invitae Variant Classification Sherloc (09022015). Collection method: clinical testing. Allele origin: germline.
Comment: This sequence change replaces glutamic acid, which is acidic and polar, with lysine, which is basic and polar, at codon 483 of the PCNT protein (p.Glu483Lys). This variant is not present in population databases (gnomAD no frequency). This variant has not been reported in the literature in individuals affected with PCNT-related conditions. Algorithms developed to predict the effect of missense changes on protein structure and function are either unavailable or do not agree on the potential impact of this missense change (SIFT: "Deleterious"; PolyPhen-2: "Benign"; Align-GVGD: "Class C0"). In summary, the available evidence is currently insufficient to determine the role of this variant in disease. Therefore, it has been classified as a Variant of Uncertain Significance.

NM_006031.6(PCNT):c.1447G>A (p.Glu483Lys)

Gene: PCNT (pericentrin; plus strand). Cytogenetic location: 21q22.3.
Variant type: single nucleotide variant.
Coding change: c.1447G>A on transcript NM_006031.6 (MANE Select); coding-DNA position 1447, G replaced by A.
Protein change: p.Glu483Lys; replaces glutamic acid 483 with lysine.
Molecular consequence: missense variant.
Genome position (GRCh38, 1-based): chr21:46,351,531, G>A. VCF-style: chr21-46351531-G-A. GRCh37 (hg19) VCF-style: chr21-47771445-G-A.
Other names: c.1093G>A, p.Glu365Lys (NM_001315529.2); short protein forms E365K, E483K.
Identifiers: ClinVar variation 1919819 (VCV001919819.2), dbSNP rs566891517, ClinGen allele CA321995130.